The following is an entry in ClinVar:

NM_001301202.2(RASAL1):c.278C>T (p.Ala93Val)

Gene: RASAL1 (RAS protein activator like 1; minus strand). Cytogenetic location: 12q24.13.
Variant type: single nucleotide variant.
Coding change: c.278C>T on transcript NM_001301202.2 (MANE Select); coding-DNA position 278, C replaced by T.
Protein change: p.Ala93Val; replaces alanine 93 with valine.
Molecular consequence: missense variant. On other transcripts: intron variant (3).
Genome position (GRCh38, 1-based): chr12:113,127,832, G>A on the plus strand (C>T on the coding strand, the complement: RASAL1 is on the minus strand). VCF-style: chr12-113127832-G-A. GRCh37 (hg19) VCF-style: chr12-113565637-G-A.
Other names: NC_000012.11:g.113565637G>A; c.278C>T, p.Ala93Val (NM_001193520.2, NM_001193521.3, NM_001394081.1 and 6 more transcripts); c.65+7566C>T (NM_001394089.1, NM_001394088.1); c.236+233C>T (NM_001394087.1); short protein forms A93V.
Identifiers: ClinVar variation 788656 (VCV000788656.30), dbSNP rs146551951, ClinGen allele CA6802952.
Genomic context (GRCh38, chr12:113,127,832, plus strand): 5'-GCATGGCCCCCTCCTCCCTCTGCCCATGTCCCTCGCCCACCTCGGGGGTCGGCTGTAATC[G>A]CCTCCCTGCTCAGCGAGATCTTGCCGATGATGTCGTCGTGCCTGCAGGAAGGCGGGCACG-3'
Protein context (NP_001288131.1, residues 83-103): IIGKISLSRE[Ala93Val]ITADPRGIDS

ClinVar aggregate classification (germline): Benign. Review status: criteria provided, multiple submitters, no conflicts (2 of 4 stars). 3 submissions from 3 submitters: Benign (3). Last evaluated 2023-06-01.

Allele frequency attached by ClinVar (database versions not stated): 1000 Genomes Project 30x 0.00656; gnomAD 0.00686 and 0.00709; TOPMed 0.00690; 1000 Genomes Project 0.00739; ESP Exome Variant Server 0.00746; gnomAD exomes 0.00806; ExAC 0.00840.

Submissions (19):

CeGaT Center for Human Genetics Tuebingen
Classification: Benign. Last evaluated: 2023-06-01. Review status: criteria provided, single submitter. Criteria: CeGaT Center For Human Genetics Tuebingen Variant Classification Criteria Version 2. Collection method: clinical testing. Allele origin: germline. Affected: yes. Observed: 5 variant alleles.
Comment: RASAL1: PP3, BS1, BS2

Labcorp Genetics (formerly Invitae), Labcorp
Classification: Benign. Last evaluated: 2019-12-31. Review status: criteria provided, single submitter. Criteria: Invitae Variant Classification Sherloc (09022015). Collection method: clinical testing. Allele origin: germline.

Breakthrough Genomics
Classification: Benign. Review status: criteria provided, single submitter. Criteria: ACMG Guidelines, 2015. Collection method: not provided. Allele origin: germline. Inheritance: Unknown mechanism. Affected: yes.

Dr. Peter K. Rogan Lab, Western University
No classification provided (evidence only). Condition: Clear cell carcinoma of kidney. Review status: no classification provided. Collection method: in vitro. Allele origin: not applicable. Functional consequence: retained intron. Not counted in ClinVar's aggregate classification.

Dr. Peter K. Rogan Lab, Western University
No classification provided (evidence only). Condition: Clear cell carcinoma of kidney. Review status: no classification provided. Collection method: in vitro. Allele origin: not applicable. Functional consequence: retained intron. Not counted in ClinVar's aggregate classification.

Dr. Peter K. Rogan Lab, Western University
No classification provided (evidence only). Condition: Clear cell carcinoma of kidney. Review status: no classification provided. Collection method: in vitro. Allele origin: not applicable. Functional consequence: retained intron. Not counted in ClinVar's aggregate classification.

Dr. Peter K. Rogan Lab, Western University
No classification provided (evidence only). Condition: Clear cell carcinoma of kidney. Review status: no classification provided. Collection method: in vitro. Allele origin: not applicable. Functional consequence: retained intron. Not counted in ClinVar's aggregate classification.

Dr. Peter K. Rogan Lab, Western University
No classification provided (evidence only). Condition: Lung cancer. Review status: no classification provided. Collection method: in vitro. Allele origin: not applicable. Functional consequence: retained intron. Not counted in ClinVar's aggregate classification.

Dr. Peter K. Rogan Lab, Western University
No classification provided (evidence only). Condition: Thyroid cancer, nonmedullary, 1. Review status: no classification provided. Collection method: in vitro. Allele origin: not applicable. Functional consequence: retained intron. Not counted in ClinVar's aggregate classification.

Dr. Peter K. Rogan Lab, Western University
No classification provided (evidence only). Condition: Thyroid cancer, nonmedullary, 1. Review status: no classification provided. Collection method: in vitro. Allele origin: not applicable. Functional consequence: retained intron. Not counted in ClinVar's aggregate classification.

Dr. Peter K. Rogan Lab, Western University
No classification provided (evidence only). Condition: Thyroid cancer, nonmedullary, 1. Review status: no classification provided. Collection method: in vitro. Allele origin: not applicable. Functional consequence: retained intron. Not counted in ClinVar's aggregate classification.

Dr. Peter K. Rogan Lab, Western University
No classification provided (evidence only). Condition: Uterine corpus endometrial carcinoma. Review status: no classification provided. Collection method: in vitro. Allele origin: not applicable. Functional consequence: retained intron. Not counted in ClinVar's aggregate classification.

Dr. Peter K. Rogan Lab, Western University
No classification provided (evidence only). Condition: Uterine corpus endometrial carcinoma. Review status: no classification provided. Collection method: in vitro. Allele origin: not applicable. Functional consequence: retained intron. Not counted in ClinVar's aggregate classification.

Dr. Peter K. Rogan Lab, Western University
No classification provided (evidence only). Condition: Sarcoma. Review status: no classification provided. Collection method: in vitro. Allele origin: not applicable. Functional consequence: retained intron. Not counted in ClinVar's aggregate classification.

Dr. Peter K. Rogan Lab, Western University
No classification provided (evidence only). Condition: Ovarian serous cystadenocarcinoma. Review status: no classification provided. Collection method: in vitro. Allele origin: not applicable. Functional consequence: retained intron. Not counted in ClinVar's aggregate classification.

Dr. Peter K. Rogan Lab, Western University
No classification provided (evidence only). Condition: Ovarian serous cystadenocarcinoma. Review status: no classification provided. Collection method: in vitro. Allele origin: not applicable. Functional consequence: retained intron. Not counted in ClinVar's aggregate classification.

Dr. Peter K. Rogan Lab, Western University
No classification provided (evidence only). Condition: Ovarian serous cystadenocarcinoma. Review status: no classification provided. Collection method: in vitro. Allele origin: not applicable. Functional consequence: retained intron. Not counted in ClinVar's aggregate classification.

Dr. Peter K. Rogan Lab, Western University
No classification provided (evidence only). Condition: Gastric cancer. Review status: no classification provided. Collection method: in vitro. Allele origin: not applicable. Functional consequence: retained intron. Not counted in ClinVar's aggregate classification.

Dr. Peter K. Rogan Lab, Western University
No classification provided (evidence only). Condition: Gastric cancer. Review status: no classification provided. Collection method: in vitro. Allele origin: not applicable. Functional consequence: retained intron. Not counted in ClinVar's aggregate classification.